The following is an entry in ClinVar:

ClinVar aggregate classification (germline): Uncertain significance. Review status: criteria provided, multiple submitters, no conflicts (2 of 4 stars). 2 submissions from 2 submitters: Uncertain significance (2). Last evaluated 2025-08-06.

Conditions:
Inborn genetic diseases. Identifiers: MedGen C0950123, MeSH D030342.

Allele frequency attached by ClinVar (database versions not stated): gnomAD 0.00003; TOPMed 0.00003.
gnomAD v4.1: 31 of 1,614,006 alleles (0.0019%); highest among the groups gnomAD compares: South Asian, 0.0033%; no homozygotes.

Submissions (2):

Ambry Genetics
Classification: Uncertain significance for Inborn genetic diseases. Last evaluated: 2025-08-06. Review status: criteria provided, single submitter. Criteria: Ambry Variant Classification Scheme 2023. Collection method: clinical testing. Allele origin: germline.

Labcorp Genetics (formerly Invitae), Labcorp
Classification: Uncertain significance. Last evaluated: 2022-08-10. Review status: criteria provided, single submitter. Criteria: Invitae Variant Classification Sherloc (09022015). Collection method: clinical testing. Allele origin: germline.
Comment: This sequence change replaces threonine, which is neutral and polar, with alanine, which is neutral and non-polar, at codon 251 of the H6PD protein (p.Thr251Ala). This variant is present in population databases (no rsID available, gnomAD 0.002%). This variant has not been reported in the literature in individuals affected with H6PD-related conditions. ClinVar contains an entry for this variant (Variation ID: 1379928). Algorithms developed to predict the effect of missense changes on protein structure and function output the following: SIFT: "Tolerated"; PolyPhen-2: "Benign"; Align-GVGD: "Class C0". The alanine amino acid residue is found in multiple mammalian species, which suggests that this missense change does not adversely affect protein function. In summary, the available evidence is currently insufficient to determine the role of this variant in disease. Therefore, it has been classified as a Variant of Uncertain Significance.

NM_004285.4(H6PD):c.751A>G (p.Thr251Ala)

Gene: H6PD (hexose-6-phosphate dehydrogenase/glucose 1-dehydrogenase; plus strand). Cytogenetic location: 1p36.22.
Variant type: single nucleotide variant.
Coding change: c.751A>G on transcript NM_004285.4 (MANE Select); coding-DNA position 751, A replaced by G.
Protein change: p.Thr251Ala; replaces threonine 251 with alanine.
Molecular consequence: missense variant.
Genome position (GRCh38, 1-based): chr1:9,262,064, A>G. VCF-style: chr1-9262064-A-G. GRCh37 (hg19) VCF-style: chr1-9322123-A-G.
Other names: c.751A>G (NM_004285.3); c.784A>G, p.Thr262Ala (NM_001282587.2); short protein forms T251A, T262A.
Identifiers: ClinVar variation 1379928 (VCV001379928.8), dbSNP rs967443477, ClinGen allele CA17748353.